The following is an entry in ClinVar:

NM_020427.3(SLURP1):c.286C>T (p.Arg96Ter)

Gene: SLURP1 (secreted LY6/PLAUR domain containing 1; minus strand). Cytogenetic location: 8q24.3.
Variant type: single nucleotide variant.
Coding change: c.286C>T on transcript NM_020427.3 (MANE Select); coding-DNA position 286, C replaced by T.
Protein change: p.Arg96Ter; replaces arginine 96 with a stop codon.
Molecular consequence: nonsense.
Genome position (GRCh38, 1-based): chr8:142,741,169, G>A on the plus strand (C>T on the coding strand, the complement: SLURP1 is on the minus strand). VCF-style: chr8-142741169-G-A. GRCh37 (hg19) VCF-style: chr8-143822587-G-A.
Other names: short protein forms R96*.
Identifiers: ClinVar variation 4601 (VCV000004601.6), dbSNP rs121908317, ClinGen allele CA116948.

ClinVar aggregate classification (germline): Pathogenic. Review status: criteria provided, multiple submitters, no conflicts (2 of 4 stars). 4 submissions from 4 submitters: Pathogenic (3). 1 of the submissions does not count toward it. Last evaluated 2025-06-29.

Conditions:
SLURP1-related disorder. Also called: SLURP1-related condition.
Acroerythrokeratoderma (MDM). Also called: PALMOPLANTAR KERATODERMA, NORRBOTTEN RECESSIVE TYPE; PALMOPLANTAR KERATODERMA, GAMBORG NIELSEN TYPE; Mal de Meleda; Meleda disease; KERATOSIS PALMOPLANTARIS TRANSGREDIENS OF SIEMENS. Identifiers: Orphanet 87503, MedGen C0025221, MONDO:0009552, OMIM 248300.

Allele frequency attached by ClinVar (database versions not stated): gnomAD 0.00001; TOPMed 0.00001; ExAC 0.00002; 1000 Genomes Project 30x 0.00016; 1000 Genomes Project 0.00020.

Submissions (4):

Labcorp Genetics (formerly Invitae), Labcorp
Classification: Pathogenic. Last evaluated: 2025-06-29. Review status: criteria provided, single submitter. Criteria: Invitae Variant Classification Sherloc (09022015). Collection method: clinical testing. Allele origin: germline.
Comment: This sequence change creates a premature translational stop signal (p.Arg96*) in the SLURP1 gene. While this is not anticipated to result in nonsense mediated decay, it is expected to disrupt the last 8 amino acid(s) of the SLURP1 protein. This variant is present in population databases (rs121908317, gnomAD 0.003%). This premature translational stop signal has been observed in individual(s) with Mal de Meleda and/or palmoplantar keratodermas (PMID: 11285253, 31944258). In at least one individual the data is consistent with being in trans (on the opposite chromosome) from a pathogenic variant. It has also been observed to segregate with disease in related individuals. ClinVar contains an entry for this variant (Variation ID: 4601). For these reasons, this variant has been classified as Pathogenic.

Blueprint Genetics
Classification: Pathogenic for SLURP1-related disorders. Last evaluated: 2024-11-05. Review status: criteria provided, single submitter. Criteria: ACMG Guidelines, 2015. Collection method: clinical testing. Allele origin: germline. Affected: yes. Observed: 5 variant alleles.

Neuberg Centre For Genomic Medicine, NCGM
Classification: Pathogenic for Acroerythrokeratoderma. Last evaluated: 2023-02-14. Review status: criteria provided, single submitter. Criteria: ACMG Guidelines, 2015. Collection method: clinical testing. Allele origin: germline. Inheritance: Autosomal recessive inheritance. Affected: yes.
Comment: The stop gain c.286C>T (p.Arg96Ter) variant in SLURP1 gene has been reported in homozygous state in indidviduals affected with Meleda disease (Harjama L et al. 2020; Akbar A et al. 2019; Wajid M et al. 2009). The p.Arg96Ter variant has allele frequency 0.001% in gnomAD Exomes and is novel (not in any individuals) in 1000 Genomes. This variant has been reported to the ClinVar database as Pathogenic (multiple submiters). The nucleotide change c.286C>T in SLURP1 is predicted as conserved by GERP++ and PhyloP across 100 vertebrates. This variant is predicted to cause loss of normal protein function through protein truncation. Loss of function variants have been previously reported to be disease causing. For these reasons, this variant has been classified as Pathogenic.

OMIM
Classification: Pathogenic for MAL DE MELEDA. Last evaluated: 2001-04-01. Review status: no assertion criteria provided. Collection method: literature only. Allele origin: germline. Not counted in ClinVar's aggregate classification.

Literature cited by the submitters: PubMed 11285253 (cited by Labcorp Genetics (formerly Invitae), Labcorp and OMIM); PubMed 31944258 (cited by Labcorp Genetics (formerly Invitae), Labcorp and OMIM); PubMed 12535203 (cited by OMIM).